The following is an entry in ClinVar:

ClinVar aggregate classification (germline): Uncertain significance (1 of 4 stars; one submission).

Allele frequency attached by ClinVar (database versions not stated): gnomAD exomes below 0.00001.
gnomAD v4.1: 5 of 1,600,592 alleles (0.00031%); highest among the groups gnomAD compares: Non-Finnish European, 0.00043%; no homozygotes.

Submission:

Labcorp Genetics (formerly Invitae), Labcorp
Classification: Uncertain significance. Last evaluated: 2021-09-24. Review status: criteria provided, single submitter. Criteria: Invitae Variant Classification Sherloc (09022015). Collection method: clinical testing. Allele origin: germline.
Comment: In summary, the available evidence is currently insufficient to determine the role of this variant in disease. Therefore, it has been classified as a Variant of Uncertain Significance. Algorithms developed to predict the effect of missense changes on protein structure and function (SIFT, PolyPhen-2, Align-GVGD) all suggest that this variant is likely to be disruptive. This variant has not been reported in the literature in individuals affected with LTBP2-related conditions. This variant is not present in population databases (ExAC no frequency). This sequence change replaces serine with proline at codon 485 of the LTBP2 protein (p.Ser485Pro). The serine residue is highly conserved and there is a moderate physicochemical difference between serine and proline.

NM_000428.3(LTBP2):c.1453T>C (p.Ser485Pro)

Gene: LTBP2 (latent transforming growth factor beta binding protein 2; minus strand). Cytogenetic location: 14q24.3.
Variant type: single nucleotide variant.
Coding change: c.1453T>C on transcript NM_000428.3 (MANE Select); coding-DNA position 1453, T replaced by C.
Protein change: p.Ser485Pro; replaces serine 485 with proline.
Molecular consequence: missense variant.
Genome position (GRCh38, 1-based): chr14:74,551,297, A>G on the plus strand (T>C on the coding strand, the complement: LTBP2 is on the minus strand). VCF-style: chr14-74551297-A-G. GRCh37 (hg19) VCF-style: chr14-75018000-A-G.
Other names: short protein forms S485P.
Identifiers: ClinVar variation 1380247 (VCV001380247.4), dbSNP rs2139746276, ClinGen allele CA390398984.
Genomic context (GRCh38, chr14:74,551,297, plus strand): 5'-TCTCCACTAGGGCCTCCTCCACCCCGCCCCGCACCTGGGCCACCTGGTGGATCTGCACTG[A>G]GGCCTCGGGTGGGTGGTGAATGTGCACCTTCACCAGGGAGGGGTTCACGGAGGCTGGGCA-3'
Protein context (NP_000419.1, residues 475-495): KVHIHHPPEA[Ser485Pro]VQIHQVAQVR